The following is an entry in ClinVar:

ClinVar aggregate classification (germline): Uncertain significance. Review status: criteria provided, multiple submitters, no conflicts (2 of 4 stars). 2 submissions from 2 submitters: Uncertain significance (2). Last evaluated 2025-02-09.

gnomAD v4.1: 10 of 1,613,804 alleles (0.00062%); highest among the groups gnomAD compares: Non-Finnish European, 0.00068%; no homozygotes.

Submissions (2):

Ambry Genetics
Classification: Uncertain significance. Last evaluated: 2025-02-09. Review status: criteria provided, single submitter. Criteria: Ambry Variant Classification Scheme 2023. Collection method: clinical testing. Allele origin: germline.

Labcorp Genetics (formerly Invitae), Labcorp
Classification: Uncertain significance. Last evaluated: 2023-12-22. Review status: criteria provided, single submitter. Criteria: Invitae Variant Classification Sherloc (09022015). Collection method: clinical testing. Allele origin: germline.
Comment: This sequence change replaces proline, which is neutral and non-polar, with arginine, which is basic and polar, at codon 9 of the IL18BP protein (p.Pro9Arg). This variant is present in population databases (rs199757051, gnomAD 0.007%). This variant has not been reported in the literature in individuals affected with IL18BP-related conditions. An algorithm developed to predict the effect of missense changes on protein structure and function (PolyPhen-2) suggests that this variant is likely to be disruptive. In summary, the available evidence is currently insufficient to determine the role of this variant in disease. Therefore, it has been classified as a Variant of Uncertain Significance.

NM_001039660.2(IL18BP):c.26C>G (p.Pro9Arg)

Gene: IL18BP (interleukin 18 binding protein; plus strand). Cytogenetic location: 11q13.4.
Variant type: single nucleotide variant.
Coding change: c.26C>G on transcript NM_001039660.2 (MANE Select); coding-DNA position 26, C replaced by G.
Protein change: p.Pro9Arg; replaces proline 9 with arginine.
Molecular consequence: missense variant.
Genome position (GRCh38, 1-based): chr11:72,000,010, C>G. VCF-style: chr11-72000010-C-G. GRCh37 (hg19) VCF-style: chr11-71711056-C-G.
Other names: c.26C>G, p.Pro9Arg (NM_001039659.2, NM_001145055.1, NM_001145057.1 and 3 more transcripts); short protein forms P9R.
Identifiers: ClinVar variation 2873009 (VCV002873009.4), dbSNP rs199757051, ClinGen allele CA224378060.
Genomic context (GRCh38, chr11:72,000,010, plus strand): 5'-AAGAGCCAGGCTCACCAGCTCCTGACGCATGCATCATGACCATGAGACACAACTGGACAC[C>G]AGGTAGGCCTTGGGGCTACGCATGGGCAGGCGGGGTAGGGTGAGGTCTATGAACAGAATG-3'
Protein context (NP_001034749.1, residues 1-19): MTMRHNWT[Pro9Arg]DLSPLWVLLL